The following is an entry in ClinVar:

NM_000238.4(KCNH2):c.2371C>T (p.Arg791Trp)

Gene: KCNH2 (potassium voltage-gated channel subfamily H member 2; minus strand). Cytogenetic location: 7q36.1.
Variant type: single nucleotide variant.
Coding change: c.2371C>T on transcript NM_000238.4 (MANE Select); coding-DNA position 2371, C replaced by T.
Protein change: p.Arg791Trp; replaces arginine 791 with tryptophan.
Molecular consequence: missense variant.
Genome position (GRCh38, 1-based): chr7:150,950,195, G>A on the plus strand (C>T on the coding strand, the complement: KCNH2 is on the minus strand). VCF-style: chr7-150950195-G-A. GRCh37 (hg19) VCF-style: chr7-150647283-G-A.
Other names: p.R791W:CGG>TGG; c.2371C>T (LRG_288t1); c.1351C>T, p.Arg451Trp (NM_001204798.2, NM_172057.3); c.2083C>T, p.Arg695Trp (NM_001406753.1, NM_001406756.1); c.2194C>T, p.Arg732Trp (NM_001406755.1); c.2071C>T, p.Arg691Trp (NM_001406757.1); c.2371C>T, p.Arg791Trp (NM_172056.3); short protein forms R451W, R791W, R695W, R691W, R732W.
Identifiers: ClinVar variation 67391 (VCV000067391.38), dbSNP rs138498207, ClinGen allele CA006525.
Genomic context (GRCh38, chr7:150,950,195, plus strand): 5'-TTTCCAGTCCAGTGCCCGCCCCCCACCCCATACCCAGGATGGCCACGACGACGTCGCCCC[G>A]CAGGATCTCGATGGAGCCCCGGGAGATGAAGTACAGGGCGGTGAGCAGGTCCCCAGCATG-3'
Protein context (NP_000229.1, residues 781-801): FISRGSIEIL[Arg791Trp]GDVVVAILGK

ClinVar aggregate classification (germline): Conflicting classifications of pathogenicity. Review status: criteria provided, conflicting classifications (1 of 4 stars). 14 submissions from 13 submitters: Uncertain significance (5); Likely benign (5). 4 of the submissions do not count toward it. Last evaluated 2026-02-02.

Conditions:
Cardiovascular phenotype. Identifiers: MedGen CN230736.
Cardiac arrhythmia. Also called: Arrhythmia; Cardiac rhythm disease. Identifiers: MedGen C0003811, MONDO:0007263, HP:0011675.
Familial long QT syndrome (RWS). Also called: Congenital long QT syndrome; Romano-Ward syndrome; VENTRICULAR FIBRILLATION WITH PROLONGED QT INTERVAL. Identifiers: Orphanet 768, MedGen C1141890, MONDO:0019171.
Long QT syndrome (LQTS). Identifiers: MedGen C0023976, MeSH D008133, MONDO:0002442. Disease mechanism: loss of function. Inheritance: Various modes of inheritance.
Long QT syndrome 2 (LQT2). Identifiers: Orphanet 101016, Orphanet 768, MedGen C3150943, MONDO:0013367, OMIM 613688.
Brugada syndrome 1 (BRGDA1). Also called: RIGHT BUNDLE BRANCH BLOCK, ST SEGMENT ELEVATION, AND SUDDEN DEATH SYNDROME. Identifiers: Orphanet 130, MedGen C4551804, MONDO:0011001, OMIM 601144.

Allele frequency attached by ClinVar (database versions not stated): 1000 Genomes Project 30x 0.00016; ESP Exome Variant Server 0.00023; gnomAD 0.00025 and 0.00026; gnomAD exomes 0.00003 and 0.00008; ExAC 0.00011; 1000 Genomes Project 0.00020; TOPMed 0.00031.
gnomAD v4.1: 79 of 1,609,838 alleles (0.0049%); highest among the groups gnomAD compares: African/African-American, 0.087%; no homozygotes.

Submissions 1 to 9 of 14:

Labcorp Genetics (formerly Invitae), Labcorp
Classification: Likely benign for Long QT syndrome. Last evaluated: 2026-02-02. Review status: criteria provided, single submitter. Criteria: Invitae Variant Classification Sherloc (09022015). Collection method: clinical testing. Allele origin: germline.

Molecular Diagnostic Laboratory for Inherited Cardiovascular Disease, Montreal Heart Institute
Classification: Uncertain significance for Cardiovascular phenotype. Last evaluated: 2025-04-09. Review status: criteria provided, single submitter. Criteria: ACMG Guidelines, 2015. Collection method: clinical testing. Allele origin: germline. Affected: yes.

ARUP Laboratories, Molecular Genetics and Genomics, ARUP Laboratories
Classification: Uncertain significance. Last evaluated: 2024-06-21. Review status: criteria provided, single submitter. Criteria: ARUP Molecular Germline Variant Investigation Process 2024. Collection method: clinical testing. Allele origin: germline.
Comment: The KCNH2 c.2371C>T; p.Arg791Trp variant (rs138498207, ClinVar Variation ID: 67391) is reported in the literature in an individual with long QT syndrome (Kapplinger 2009) and an infant with sudden death syndrome (Smith 2018). This variant is observed in the general population with an overall allele frequency of 0.009% (25/281704 alleles) in the Genome Aggregation Database (v2.1.1). Computational analyses predict that this variant is deleterious (REVEL: 0.881). Functional studies report that this variant has gating abnormalities but that it minimally impacts ventricular AP duration and is not pro-arrhythmic (Anderson 2014, Smith 2018). Due to limited information, the clinical significance of this variant is uncertain at this time. References: Anderson CL et al. Large-scale mutational analysis of Kv11.1 reveals molecular insights into type 2 long QT syndrome. Nat Commun. 2014 Nov 24;5:5535. PMID: 25417810. Kapplinger JD et al. Spectrum and prevalence of mutations from the first 2,500 consecutive unrelated patients referred for the FAMILION long QT syndrome genetic test. Heart Rhythm. 2009 Sep;6(9):1297-303. PMID: 19716085. Smith JL et al. Functional Invalidation of Putative Sudden Infant Death Syndrome-Associated Variants in the KCNH2-Encoded Kv11.1 Channel. Circ Arrhythm Electrophysiol. 2018 May;11(5):e005859. PMID: 29752375.

All of Us Research Program, National Institutes of Health
Classification: Uncertain significance for Long QT syndrome. Last evaluated: 2024-05-14. Review status: criteria provided, single submitter. Criteria: ACMG Guidelines, 2015. Collection method: clinical testing. Allele origin: germline. Inheritance: Autosomal dominant inheritance. Observed: 18 variant alleles, 18 heterozygotes.
Comment: This missense variant replaces arginine with tryptophan at codon 791 of the KCNH2 protein. Computational prediction suggests that this variant may have deleterious impact on protein structure and function (internally defined REVEL score threshold >= 0.7, PMID: 27666373). Functional studies have shown that this variant altered Kv11.1 channel activation and deactivation (PMID: 25417810, 29752375). This variant has been reported in one case of sudden infant death syndrome (PMID: 29752375) and one individual with long QT syndrome (PMID: 31521807 ). This variant has been identified in 25/281704 chromosomes in the general population by the Genome Aggregation Database (gnomAD). The relatively high frequency of this variant in the general population suggests that this variant is unlikely to be disease-causing. However, additional studies are necessary to determine the role of this variant in disease conclusively.

This study involves interpretation of variants in research participants for the purpose of population health screening. Participant phenotype was not available at the time of variant classification. Additional details can be found in publication PMID: 35346344, PMCID: PMC8962531

Color Diagnostics, LLC DBA Color Health
Classification: Uncertain significance for Cardiac arrhythmia. Last evaluated: 2024-04-18. Review status: criteria provided, single submitter. Criteria: ACMG Guidelines, 2015. Collection method: clinical testing. Allele origin: germline.
Comment: This missense variant replaces arginine with tryptophan at codon 791 of the KCNH2 protein. Computational prediction suggests that this variant may have deleterious impact on protein structure and function (internally defined REVEL score threshold >= 0.7, PMID: 27666373). Functional studies have shown that this variant altered Kv11.1 channel activation and deactivation (PMID: 25417810, 29752375). This variant has been reported in one case of sudden infant death syndrome (PMID: 29752375) and one individual with long QT syndrome (PMID: 32893267). This variant has been identified in 25/281704 chromosomes in the general population by the Genome Aggregation Database (gnomAD). The relatively high frequency of this variant in the general population suggests that this variant is unlikely to be disease-causing. However, additional studies are necessary to determine the role of this variant in disease conclusively.

Ambry Genetics
Classification: Likely benign for Cardiovascular phenotype. Last evaluated: 2024-02-13. Review status: criteria provided, single submitter. Criteria: Ambry Variant Classification Scheme 2023. Collection method: clinical testing. Allele origin: germline.

Women's Health and Genetics/Laboratory Corporation of America, LabCorp
Classification: Likely benign. Last evaluated: 2024-02-05. Review status: criteria provided, single submitter. Criteria: LabCorp Variant Classification Summary - May 2015. Collection method: clinical testing. Allele origin: germline.
Comment: Variant summary: KCNH2 c.2371C>T (p.Arg791Trp) results in a non-conservative amino acid change located in the Cyclic nucleotide-binding domain (IPR000595) of the encoded protein sequence. Five of five in-silico tools predict a damaging effect of the variant on protein function. The variant allele was found at a frequency of 8.9e-05 in 281704 control chromosomes, predominantly at a frequency of 0.00093 within the African or African-American subpopulation in the gnomAD database. The observed variant frequency within African or African-American control individuals in the gnomAD database is approximately 8 fold of the estimated maximal expected allele frequency for a pathogenic variant in KCNH2 causing Long QT Syndrome phenotype (0.00012), strongly suggesting that the variant is a benign polymorphism found primarily in populations of African or African-American origin. c.2371C>T has been reported in the literature in individuals affected with Long QT Syndrome and sudden infant death syndrome (Kapplinger_2009, Smith_2018), however without strong evidence for causality (e.g., lack of co-segregation data). These reports therefore do not provide unequivocal conclusions about association of the variant with Long QT Syndrome. One functional study showed this variant with competent trafficking and moderate alteration on gating (Anderson_2014) with nearly normal values for the repolarizing outward potassium current density or Ikv11.1. Another functional study demonstrated this variant expressed and generated peak Kv11.1 current levels similar to cells expressing wild-type-Kv11.1 channels but altered gating (Smith_2018). The following publications have been ascertained in the context of this evaluation (PMID: 25637381, 25417810, 32048431, 19716085, 29247119, 26332594, 29752375). ClinVar contains an entry for this variant (Variation ID: 67391). Based on the evidence outlined above, the variant was classified as likely benign.

GeneDx
Classification: Likely benign. Last evaluated: 2019-07-29. Review status: criteria provided, single submitter. Criteria: GeneDx Variant Classification Process June 2021. Collection method: clinical testing. Allele origin: germline. Affected: yes.
Comment: This variant is associated with the following publications: (PMID: 32048431, 19716085, 23861362, 26332594, 25637381, 22581653, 29247119, 25417810, 29752375)

Illumina Laboratory Services, Illumina
Classification: Uncertain significance for Long QT syndrome 2. Last evaluated: 2018-01-13. Review status: criteria provided, single submitter. Criteria: ICSL Variant Classification Criteria 13 December 2019. Collection method: clinical testing. Allele origin: germline.